The following is an entry in ClinVar:

NM_005378.6(MYCN):c.1124_1125del (p.Asn374_Ser375insTer)

Gene: MYCN (MYCN proto-oncogene, bHLH transcription factor; plus strand). Cytogenetic location: 2p24.3.
Variant type: Microsatellite.
Coding change: c.1124_1125del on transcript NM_005378.6 (MANE Select); coding-DNA positions 1124 to 1125, 2 bases deleted (CT; older notation c.1124_1125delCT).
Protein change: p.Asn374_Ser375insTer.
Molecular consequence: nonsense. On other transcripts: 3 prime UTR variant (1).
Genome position (GRCh38, 1-based): chr2:15,945,826-15,945,827, CT deleted; deleting any 2 consecutive bases within chr2:15,945,824-15,945,827 gives the same sequence; the c. name uses the placement nearest the transcript's 3' end. VCF-style (leftmost placement, unchanged base first): chr2-15945823-ACT-A. GRCh37 (hg19) VCF-style: chr2-16085945-ACT-A.
Other names: c.1124_1125del, p.Asn374_Ser375insTer (NM_001293228.2); c.491_492del, p.Asn163_Ser164insTer (NM_001293231.2); c.*1057CT[1] (NM_001293233.2).
Identifiers: ClinVar variation 265251 (VCV000265251.2), dbSNP rs886039428, ClinGen allele CA10588313.

ClinVar aggregate classification (germline): Pathogenic (1 of 4 stars; one submission).

Submission:

GeneDx
Classification: Pathogenic. Last evaluated: 2015-06-08. Review status: criteria provided, single submitter. Criteria: GeneDx Variant Classification (06012015). Collection method: clinical testing. Allele origin: germline. Affected: yes.
Comment: The c.1124_1125delCT mutation in the MYCN gene has not been reported previously as a diseas pathogenic variant nor as a benign polymorphism, to our knowledge. The c.1124_1125delCT variant causes a frameshift, changing codon Serine 375 to a premature Stop codon, denoted p.Ser375Ter. This variant is predicted to cause loss of normal protein function through protein truncation. The c.1124_1125delCT variant was not observed in approximately 6,500 individuals of European and African American ancestry in the NHLBI Exome Sequencing Project, indicating it is not a common benign variant in these populations. We interpret c.1124_1125delCT as a pathogenic variant.